The following is an entry in ClinVar:

ClinVar aggregate classification (germline): Uncertain significance (1 of 4 stars; one submission).

gnomAD v4.1: 14 of 1,613,936 alleles (0.00087%); highest among the groups gnomAD compares: Middle Eastern, 0.016%; no homozygotes.

Submission:

Labcorp Genetics (formerly Invitae), Labcorp
Classification: Uncertain significance. Last evaluated: 2025-05-12. Review status: criteria provided, single submitter. Criteria: Invitae Variant Classification Sherloc (09022015). Collection method: clinical testing. Allele origin: germline.
Comment: This sequence change replaces histidine, which is basic and polar, with tyrosine, which is neutral and polar, at codon 16 of the RSPO1 protein (p.His16Tyr). This variant is present in population databases (rs767125350, gnomAD 0.003%). This variant has not been reported in the literature in individuals affected with RSPO1-related conditions. An algorithm developed to predict the effect of missense changes on protein structure and function (PolyPhen-2) suggests that this variant is likely to be tolerated. In summary, the available evidence is currently insufficient to determine the role of this variant in disease. Therefore, it has been classified as a Variant of Uncertain Significance.

NM_001242908.2(RSPO1):c.46C>T (p.His16Tyr)

Gene: RSPO1 (R-spondin 1; minus strand). Cytogenetic location: 1p34.3.
Variant type: single nucleotide variant.
Coding change: c.46C>T on transcript NM_001242908.2 (MANE Select); coding-DNA position 46, C replaced by T.
Protein change: p.His16Tyr; replaces histidine 16 with tyrosine.
Molecular consequence: missense variant. On other transcripts: intron variant (1).
Genome position (GRCh38, 1-based): chr1:37,629,616, G>A on the plus strand (C>T on the coding strand, the complement: RSPO1 is on the minus strand). VCF-style: chr1-37629616-G-A. GRCh37 (hg19) VCF-style: chr1-38095288-G-A.
Other names: c.46C>T, p.His16Tyr (NM_001038633.4, NM_001242910.2); c.13+273C>T (NM_001242909.2); short protein forms H16Y.
Identifiers: ClinVar variation 4804937 (VCV004804937.1).